The following is an entry in ClinVar:

NM_001322934.2(NFKB2):c.1345C>T (p.Arg449Cys)

Genes: NFKB2 (nuclear factor kappa B subunit 2; plus strand), LOC130004599 (ATAC-STARR-seq lymphoblastoid silent region 2756; plus strand). Cytogenetic location: 10q24.32.
Variant type: single nucleotide variant.
Coding change: c.1345C>T on transcript NM_001322934.2 (MANE Select); coding-DNA position 1345, C replaced by T.
Protein change: p.Arg449Cys; replaces arginine 449 with cysteine.
Molecular consequence: missense variant.
Genome position (GRCh38, 1-based): chr10:102,399,594, C>T. VCF-style: chr10-102399594-C-T. GRCh37 (hg19) VCF-style: chr10-104159351-C-T.
Other names: c.1345C>T, p.Arg449Cys (NM_001077494.3, NM_001261403.3, NM_001288724.1 and 1 more transcripts); c.1219C>T, p.Arg407Cys (NM_001322935.1); short protein forms R407C, R449C.
Identifiers: ClinVar variation 4708018 (VCV004708018.1).

ClinVar aggregate classification (germline): Uncertain significance (1 of 4 stars; one submission).

Conditions:
Immunodeficiency, common variable, 10. Also called: IMMUNODEFICIENCY, COMMON VARIABLE, WITH CENTRAL ADRENAL INSUFFICIENCY; DEFICIT IN ANTERIOR PITUITARY FUNCTION AND VARIABLE IMMUNODEFICIENCY. Identifiers: MedGen C3809991, MONDO:0014260, OMIM 615577.

gnomAD v4.1: 6 of 1,550,420 alleles (0.00039%); highest among the groups gnomAD compares: African/African-American, 0.0069%; no homozygotes.

Submission:

Labcorp Genetics (formerly Invitae), Labcorp
Classification: Uncertain significance for Immunodeficiency, common variable, 10. Last evaluated: 2025-05-23. Review status: criteria provided, single submitter. Criteria: Invitae Variant Classification Sherloc (09022015). Collection method: clinical testing. Allele origin: germline.
Comment: This sequence change replaces arginine, which is basic and polar, with cysteine, which is neutral and slightly polar, at codon 449 of the NFKB2 protein (p.Arg449Cys). The frequency data for this variant in the population databases is considered unreliable, as metrics indicate poor data quality at this position in the gnomAD database. This variant has not been reported in the literature in individuals affected with NFKB2-related conditions. An algorithm developed to predict the effect of missense changes on protein structure and function (PolyPhen-2) suggests that this variant is likely to be disruptive. In summary, the available evidence is currently insufficient to determine the role of this variant in disease. Therefore, it has been classified as a Variant of Uncertain Significance.